The following is an entry in ClinVar:

ClinVar aggregate classification (germline): Uncertain significance (1 of 4 stars; one submission).

Conditions:
Jeune thoracic dystrophy. Also called: Jeune syndrome; Infantile thoracic dystrophy; Thoracic pelvic phalangeal dystrophy; Jeune's syndrome; Chondroectodermal dysplasia-like syndrome; Short-rib thoracic dysplasia. Identifiers: Orphanet 474, MedGen C0265275, MONDO:0018770.

Submission:

Labcorp Genetics (formerly Invitae), Labcorp
Classification: Uncertain significance for Jeune thoracic dystrophy. Last evaluated: 2022-06-09. Review status: criteria provided, single submitter. Criteria: Invitae Variant Classification Sherloc (09022015). Collection method: clinical testing. Allele origin: germline.
Comment: In summary, the available evidence is currently insufficient to determine the role of this variant in disease. Therefore, it has been classified as a Variant of Uncertain Significance. Algorithms developed to predict the effect of sequence changes on RNA splicing suggest that this variant may disrupt the consensus splice site. Algorithms developed to predict the effect of missense changes on protein structure and function are either unavailable or do not agree on the potential impact of this missense change (SIFT: "Tolerated"; PolyPhen-2: "Possibly Damaging"; Align-GVGD: "Class C0"). This variant has not been reported in the literature in individuals affected with IFT80-related conditions. This variant is not present in population databases (gnomAD no frequency). This sequence change replaces glutamine, which is neutral and polar, with lysine, which is basic and polar, at codon 354 of the IFT80 protein (p.Gln354Lys).

NM_020800.3(IFT80):c.1060C>A (p.Gln354Lys)

Genes: TRIM59-IFT80 (TRIM59-IFT80 readthrough (NMD candidate); minus strand), IFT80 (intraflagellar transport 80; minus strand). Cytogenetic location: 3q25.33.
Variant type: single nucleotide variant.
Coding change: c.1060C>A on transcript NM_020800.3 (MANE Select); coding-DNA position 1060, C replaced by A.
Protein change: p.Gln354Lys; replaces glutamine 354 with lysine.
Molecular consequence: missense variant. On other transcripts: non-coding transcript variant (3).
Genome position (GRCh38, 1-based): chr3:160,307,679, G>T on the plus strand (C>A on the coding strand, the complement: IFT80 is on the minus strand). VCF-style: chr3-160307679-G-T. GRCh37 (hg19) VCF-style: chr3-160025467-G-T.
Other names: c.649C>A, p.Gln217Lys (NM_001190241.2, NM_001190242.2); short protein forms Q217K, Q354K.
Identifiers: ClinVar variation 2060372 (VCV002060372.4), dbSNP rs2473211305, ClinGen allele CA355194478.